The following is an entry in ClinVar:

ClinVar aggregate classification (germline): Conflicting classifications of pathogenicity. Review status: criteria provided, conflicting classifications (1 of 4 stars). 2 submissions from 2 submitters: Uncertain significance (1); Likely benign (1). Last evaluated 2025-12-02.

gnomAD v4.1: 663 of 1,602,254 alleles (0.041%); highest among the groups gnomAD compares: South Asian, 0.15%; 82 homozygotes.

Submissions (2):

Ambry Genetics
Classification: Uncertain significance. Last evaluated: 2025-12-02. Review status: criteria provided, single submitter. Criteria: Ambry Variant Classification Scheme 2023. Collection method: clinical testing. Allele origin: germline.

CeGaT Center for Human Genetics Tuebingen
Classification: Likely benign. Last evaluated: 2025-10-01. Review status: criteria provided, single submitter. Criteria: CeGaT Center For Human Genetics Tuebingen Variant Classification Criteria Version 2. Collection method: clinical testing. Allele origin: germline. Affected: yes. Observed: 1 variant allele.
Comment: PRAMEF1: BS2

NM_023013.4(PRAMEF1):c.822A>G (p.Ile274Met)

Gene: PRAMEF1 (PRAME family member 1; plus strand). Cytogenetic location: 1p36.21.
Variant type: single nucleotide variant.
Coding change: c.822A>G on transcript NM_023013.4 (MANE Select); coding-DNA position 822, A replaced by G.
Protein change: p.Ile274Met; replaces isoleucine 274 with methionine.
Molecular consequence: missense variant.
Genome position (GRCh38, 1-based): chr1:12,794,449, A>G. VCF-style: chr1-12794449-A-G. GRCh37 (hg19) VCF-style: chr1-12854598-A-G.
Other names: c.822A>G (NM_023013.2); short protein forms I274M.
Identifiers: ClinVar variation 4533821 (VCV004533821.6).